The following is an entry in ClinVar:

ClinVar aggregate classification (germline): Conflicting classifications of pathogenicity. Review status: criteria provided, conflicting classifications (1 of 4 stars). 7 submissions from 7 submitters: Uncertain significance (1); Benign (1); Likely benign (3). 2 of the submissions do not count toward it. Last evaluated 2026-06-01.

Conditions:
Duchenne muscular dystrophy (DMD). Also called: MUSCULAR DYSTROPHY, PSEUDOHYPERTROPHIC PROGRESSIVE, DUCHENNE TYPE; Duchenne Muscular Dystrophy (DMD). Identifiers: Orphanet 98896, MedGen C0013264, MONDO:0010679, OMIM 310200.
Dystrophin deficiency.
Becker muscular dystrophy (BMD). Also called: Becker Muscular Dystrophy (BMD); MUSCULAR DYSTROPHY, PSEUDOHYPERTROPHIC PROGRESSIVE, BECKER TYPE. Identifiers: Orphanet 98895, MedGen C0917713, MONDO:0010311, OMIM 300376.
Cardiomyopathy (CMYO). Also called: Cardiomyopathies. Identifiers: Orphanet 167848, MedGen C0878544, MONDO:0004994, HP:0001638. Inheritance: Various modes of inheritance.
Dilated cardiomyopathy 3B (CMD3B). Also called: CMD3B: DMD-Related Dilated Cardiomyopathy; CARDIOMYOPATHY, DILATED, X-LINKED; DMD-Associated Dilated Cardiomyopathy. Identifiers: Orphanet 154, MedGen C3668940, MONDO:0010542, OMIM 302045.
Cardiovascular phenotype. Identifiers: MedGen CN230736.
DMD-related disorder. Also called: DMD-related condition.

Allele frequency attached by ClinVar (database versions not stated): gnomAD 0.00001; ExAC 0.00002; gnomAD exomes 0.00004.
gnomAD v4.1: 33 of 1,210,030 alleles (0.0027%); highest among the groups gnomAD compares: Middle Eastern, 0.023%; no homozygotes.

Submissions (7):

CeGaT Center for Human Genetics Tuebingen
Classification: Likely benign. Last evaluated: 2026-06-01. Review status: criteria provided, single submitter. Criteria: CeGaT Center For Human Genetics Tuebingen Variant Classification Criteria Version 2. Collection method: clinical testing. Allele origin: germline. Affected: yes. Observed: 5 variant alleles.
Comment: DMD: BP4, BP7, BS2

Labcorp Genetics (formerly Invitae), Labcorp
Classification: Benign for Duchenne muscular dystrophy. Last evaluated: 2025-12-17. Review status: criteria provided, single submitter. Criteria: Invitae Variant Classification Sherloc (09022015). Collection method: clinical testing. Allele origin: germline.

Blueprint Genetics
Classification: Likely benign. Last evaluated: 2024-11-13. Review status: criteria provided, single submitter. Criteria: ACMG Guidelines, 2015. Collection method: clinical testing. Allele origin: germline.

Ambry Genetics
Classification: Likely benign for Cardiovascular phenotype. Last evaluated: 2019-06-01. Review status: criteria provided, single submitter. Criteria: Ambry Variant Classification Scheme 2023. Collection method: clinical testing. Allele origin: germline.

Illumina Laboratory Services, Illumina
Classification: Uncertain significance for Dilated cardiomyopathy 3B. Last evaluated: 2018-01-13. Review status: criteria provided, single submitter. Criteria: ICSL Variant Classification Criteria 13 December 2019. Collection method: clinical testing. Allele origin: germline.

PreventionGenetics, part of Exact Sciences
Classification: Likely benign for DMD-related condition. Last evaluated: 2019-06-12. Review status: no assertion criteria provided. Collection method: clinical testing. Allele origin: germline. Not counted in ClinVar's aggregate classification.
Comment: This variant is classified as likely benign based on ACMG/AMP sequence variant interpretation guidelines (Richards et al. 2015 PMID: 25741868, with internal and published modifications).

Natera, Inc.
Classification: Likely benign for Becker muscular dystrophy; Cardiomyopathy; Duchenne muscular dystrophy; Dystrophin deficiency. Last evaluated: 2018-09-02. Review status: no assertion criteria provided. Collection method: clinical testing. Allele origin: germline. Not counted in ClinVar's aggregate classification.

NM_004006.3(DMD):c.1083A>G (p.Thr361=)

Gene: DMD (dystrophin; minus strand). Cytogenetic location: Xp21.1.
Variant type: single nucleotide variant.
Coding change: c.1083A>G on transcript NM_004006.3 (MANE Select); coding-DNA position 1083, A replaced by G.
Protein change: p.Thr361=; no amino-acid change (threonine 361 retained).
Molecular consequence: synonymous variant.
Genome position (GRCh38, 1-based): chrX:32,645,030, T>C on the plus strand (A>G on the coding strand, the complement: DMD is on the minus strand). VCF-style: chrX-32645030-T-C. GRCh37 (hg19) VCF-style: chrX-32663147-T-C.
Other names: c.1059A>G, p.Thr353= (NM_000109.4); c.1071A>G, p.Thr357= (NM_004009.3); c.714A>G, p.Thr238= (NM_004010.3).
Identifiers: ClinVar variation 703709 (VCV000703709.57), dbSNP rs767325921, ClinGen allele CA10379977.